The following is an entry in ClinVar:

ClinVar aggregate classification (germline): Pathogenic (1 of 4 stars; one submission).

Conditions:
Glycine encephalopathy. Also called: Nonketotic hyperglycinemia; Non-ketotic hyperglycinemia. Identifiers: Orphanet 407, MedGen C0751748, MONDO:0011612, HP:0008288.

Submission:

Labcorp Genetics (formerly Invitae), Labcorp
Classification: Pathogenic for Glycine encephalopathy. Last evaluated: 2023-10-10. Review status: criteria provided, single submitter. Criteria: Invitae Variant Classification Sherloc (09022015). Collection method: clinical testing. Allele origin: germline.
Comment: This sequence change creates a premature translational stop signal (p.Thr348Aspfs*2) in the AMT gene. While this is not anticipated to result in nonsense mediated decay, it is expected to disrupt the last 56 amino acid(s) of the AMT protein. This variant is not present in population databases (gnomAD no frequency). This variant has not been reported in the literature in individuals affected with AMT-related conditions. This variant disrupts a region of the AMT protein in which other variant(s) (Tyr369*) have been determined to be pathogenic (PMID: 27362913). This suggests that this is a clinically significant region of the protein, and that variants that disrupt it are likely to be disease-causing. For these reasons, this variant has been classified as Pathogenic.

Literature cited by the submitters: PubMed 27362913.

NM_000481.4(AMT):c.1040dup (p.Thr348fs)

Gene: AMT (aminomethyltransferase; minus strand). Cytogenetic location: 3p21.31.
Variant type: Duplication.
Coding change: c.1040dup on transcript NM_000481.4 (MANE Select); coding-DNA position 1040, one base duplicated (T; older notation c.1040dupT).
Protein change: p.Thr348fs; shifts the reading frame from threonine 348.
Molecular consequence: frameshift variant. On other transcripts: non-coding transcript variant (1).
Genome position (GRCh38, 1-based): chr3:49,417,712, A duplicated on the plus strand (T on the coding strand, the reverse complement: AMT is on the minus strand). VCF-style (leftmost placement, unchanged base first): chr3-49417711-C-CA. GRCh37 (hg19) VCF-style: chr3-49455144-C-CA.
Other names: c.908dup, p.Thr304fs (NM_001164710.2); c.872dup, p.Thr292fs (NM_001164711.2); c.1040dup, p.Thr348fs (NM_001164712.2); short protein forms T348fs, T292fs, T304fs.
Identifiers: ClinVar variation 2767434 (VCV002767434.3), dbSNP rs2471145574, ClinGen allele CA2697550956.